The following is an entry in ClinVar:

NM_021252.5(RAB18):c.*3967T>C

Gene: RAB18 (RAB18, member RAS oncogene family; plus strand). Cytogenetic location: 10p12.1.
Variant type: single nucleotide variant.
Coding change: c.*3967T>C on transcript NM_021252.5 (MANE Select); 3967 bases downstream of the stop codon, T replaced by C.
Molecular consequence: 3 prime UTR variant. On other transcripts: non-coding transcript variant (1).
Genome position (GRCh38, 1-based): chr10:27,542,018, T>C. VCF-style: chr10-27542018-T-C. GRCh37 (hg19) VCF-style: chr10-27830947-T-C.
Other names: c.*3967T>C (NM_001256410.2, NM_001256412.2); c.*3927T>C (NM_001256411.2).
Identifiers: ClinVar variation 880444 (VCV000880444.4), dbSNP rs571495776, ClinGen allele CA5452616.
Genomic context (GRCh38, chr10:27,542,018, plus strand): 5'-CACCTGACCCAGACCAGACTACTGAGATAAAGATGTTTGCCTAGGCTTTTTCAGGAGCAA[T>C]TGAAGACATCTTGTTGGAGATAGTGTGCTGGGAGGAGTCACATTCTGAACTTGCTGCAGC-3'

ClinVar aggregate classification (germline): Benign (1 of 4 stars; one submission).

Conditions:
Warburg micro syndrome 3 (WARBM3). Also called: MICRO SYNDROME 3. Identifiers: Orphanet 2510, MedGen C3280203, MONDO:0013638, OMIM 614222.

Allele frequency attached by ClinVar (database versions not stated): gnomAD exomes 0.00044 and 0.00055; ExAC 0.00056; gnomAD 0.00139 and 0.00145; 1000 Genomes Project 30x 0.00141; TOPMed 0.00156; 1000 Genomes Project 0.00160.
gnomAD v4.1: 348 of 454,068 alleles (0.077%); highest among the groups gnomAD compares: African/African-American, 0.5%; 2 homozygotes.

Submission:

Illumina Laboratory Services, Illumina
Classification: Benign for Warburg micro syndrome 3. Last evaluated: 2018-01-13. Review status: criteria provided, single submitter. Criteria: ICSL Variant Classification Criteria 13 December 2019. Collection method: clinical testing. Allele origin: germline.
Comment: This variant was observed in the ICSL laboratory as part of a predisposition screen in an ostensibly healthy population. It had not been previously curated by ICSL or reported in the Human Gene Mutation Database (HGMD: prior to June 1st, 2018), and was therefore a candidate for classification through an automated scoring system. Utilizing variant allele frequency, disease prevalence and penetrance estimates, and inheritance mode, an automated score was calculated to assess if this variant is too frequent to cause the disease. Based on the score and internal cut-off values, a variant classified as benign is not then subjected to further curation. The score for this variant resulted in a classification of benign for this disease.